The following is an entry in ClinVar:

NM_001122630.2(CDKN1C):c.416C>A (p.Pro139Gln)

Gene: CDKN1C (cyclin dependent kinase inhibitor 1C; minus strand). Cytogenetic location: 11p15.4.
Variant type: single nucleotide variant.
Coding change: c.416C>A on transcript NM_001122630.2 (MANE Select); coding-DNA position 416, C replaced by A.
Protein change: p.Pro139Gln; replaces proline 139 with glutamine.
Molecular consequence: missense variant. On other transcripts: intron variant (1).
Genome position (GRCh38, 1-based): chr11:2,885,041, G>T on the plus strand (C>A on the coding strand, the complement: CDKN1C is on the minus strand). VCF-style: chr11-2885041-G-T. GRCh37 (hg19) VCF-style: chr11-2906271-G-T.
Other names: c.449C>A, p.Pro150Gln (NM_000076.2, NM_001362474.2); c.416C>A, p.Pro139Gln (NM_001122631.2); c.255+161C>A (NM_001362475.2); short protein forms P139Q, P150Q.
Identifiers: ClinVar variation 2177958 (VCV002177958.4), dbSNP rs2494387997, ClinGen allele CA379146675.

ClinVar aggregate classification (germline): Uncertain significance (1 of 4 stars; one submission).

Conditions:
Beckwith-Wiedemann syndrome (BWS). Also called: Exomphalos macroglossia gigantism syndrome; EMG SYNDROME. Identifiers: Orphanet 116, MedGen C0004903, MONDO:0007534, OMIM 130650.

Submission:

Labcorp Genetics (formerly Invitae), Labcorp
Classification: Uncertain significance for Beckwith-Wiedemann syndrome. Last evaluated: 2022-09-13. Review status: criteria provided, single submitter. Criteria: Invitae Variant Classification Sherloc (09022015). Collection method: clinical testing. Allele origin: germline.
Comment: In summary, the available evidence is currently insufficient to determine the role of this variant in disease. Therefore, it has been classified as a Variant of Uncertain Significance. Algorithms developed to predict the effect of missense changes on protein structure and function are either unavailable or do not agree on the potential impact of this missense change (SIFT: "Tolerated"; PolyPhen-2: "Not Available"; Align-GVGD: "Class C0"). This variant has not been reported in the literature in individuals affected with CDKN1C-related conditions. This variant is not present in population databases (gnomAD no frequency). This sequence change replaces proline, which is neutral and non-polar, with glutamine, which is neutral and polar, at codon 150 of the CDKN1C protein (p.Pro150Gln).